The following is an entry in ClinVar:

NM_004370.6(COL12A1):c.3590A>G (p.Glu1197Gly)

Gene: COL12A1 (collagen type XII alpha 1 chain; minus strand). Cytogenetic location: 6q13.
Variant type: single nucleotide variant.
Coding change: c.3590A>G on transcript NM_004370.6 (MANE Select); coding-DNA position 3590, A replaced by G.
Protein change: p.Glu1197Gly; replaces glutamic acid 1197 with glycine.
Molecular consequence: missense variant.
Genome position (GRCh38, 1-based): chr6:75,152,458, T>C on the plus strand (A>G on the coding strand, the complement: COL12A1 is on the minus strand). VCF-style: chr6-75152458-T-C. GRCh37 (hg19) VCF-style: chr6-75862174-T-C.
Other names: c.98A>G, p.Glu33Gly (NM_080645.3); short protein forms E33G, E1197G.
Identifiers: ClinVar variation 1954785 (VCV001954785.6), dbSNP rs755509779, ClinGen allele CA3893669.

ClinVar aggregate classification (germline): Uncertain significance. Review status: criteria provided, multiple submitters, no conflicts (2 of 4 stars). 2 submissions from 2 submitters: Uncertain significance (2). Last evaluated 2025-02-11.

Conditions:
Ullrich congenital muscular dystrophy 2 (UCMD2). Identifiers: Orphanet 75840, MedGen C4225314, MONDO:0014654, OMIM 616470.
Bethlem myopathy 2 (BTHLM2). Identifiers: Orphanet 536516, Orphanet 610, MedGen C4225313, MONDO:0034022, OMIM 616471.

Allele frequency attached by ClinVar (database versions not stated): ExAC 0.00001.

Submissions (2):

Labcorp Genetics (formerly Invitae), Labcorp
Classification: Uncertain significance for Bethlem myopathy 2; Ullrich congenital muscular dystrophy 2. Last evaluated: 2025-02-11. Review status: criteria provided, single submitter. Criteria: Invitae Variant Classification Sherloc (09022015). Collection method: clinical testing. Allele origin: germline.
Comment: This sequence change replaces glutamic acid, which is acidic and polar, with glycine, which is neutral and non-polar, at codon 1197 of the COL12A1 protein (p.Glu1197Gly). This variant is present in population databases (rs755509779, gnomAD 0.0009%). This variant has not been reported in the literature in individuals affected with COL12A1-related conditions. ClinVar contains an entry for this variant (Variation ID: 1954785). Invitae Evidence Modeling of protein sequence and biophysical properties (such as structural, functional, and spatial information, amino acid conservation, physicochemical variation, residue mobility, and thermodynamic stability) indicates that this missense variant is not expected to disrupt COL12A1 protein function with a negative predictive value of 80%. In summary, the available evidence is currently insufficient to determine the role of this variant in disease. Therefore, it has been classified as a Variant of Uncertain Significance.

Revvity Omics, Revvity
Classification: Uncertain significance. Last evaluated: 2024-09-23. Review status: criteria provided, single submitter. Criteria: ACMG Guidelines, 2015. Collection method: clinical testing. Allele origin: germline.